The following is an entry in ClinVar:

ClinVar aggregate classification (germline): Uncertain significance. Review status: criteria provided, multiple submitters, no conflicts (2 of 4 stars). 2 submissions from 2 submitters: Uncertain significance (2). Last evaluated 2025-01-09.

Conditions:
Arginine:glycine amidinotransferase deficiency (CCDS3). Also called: AGAT deficiency; L-Arginine:Glycine Amidinotransferase Deficiency; L-Arginine:Glycine Amidinotransferase (AGAT) Deficiency; Cerebral creatine deficiency syndrome 3; Creatine deficiency syndrome due to AGAT deficiency; GATM deficiency. Identifiers: Orphanet 35704, MedGen C2675179, MONDO:0012996, OMIM 612718.

Submissions (2):

Labcorp Genetics (formerly Invitae), Labcorp
Classification: Uncertain significance for Arginine:glycine amidinotransferase deficiency. Last evaluated: 2025-01-09. Review status: criteria provided, single submitter. Criteria: Invitae Variant Classification Sherloc (09022015). Collection method: clinical testing. Allele origin: germline.
Comment: This sequence change replaces proline, which is neutral and non-polar, with arginine, which is basic and polar, at codon 90 of the GATM protein (p.Pro90Arg). This variant is not present in population databases (gnomAD no frequency). This variant has not been reported in the literature in individuals affected with GATM-related conditions. ClinVar contains an entry for this variant (Variation ID: 1342727). Invitae Evidence Modeling of protein sequence and biophysical properties (such as structural, functional, and spatial information, amino acid conservation, physicochemical variation, residue mobility, and thermodynamic stability) has been performed for this missense variant. However, the output from this modeling did not meet the statistical confidence thresholds required to predict the impact of this variant on GATM protein function. In summary, the available evidence is currently insufficient to determine the role of this variant in disease. Therefore, it has been classified as a Variant of Uncertain Significance.

GeneDx
Classification: Uncertain significance. Last evaluated: 2022-02-24. Review status: criteria provided, single submitter. Criteria: GeneDx Variant Classification Process June 2021. Collection method: clinical testing. Allele origin: germline. Affected: yes.
Comment: Not observed in large population cohorts (gnomAD); In silico analysis supports that this missense variant has a deleterious effect on protein structure/function; Has not been previously published as pathogenic or benign to our knowledge

NM_001482.3(GATM):c.269C>G (p.Pro90Arg)

Gene: GATM (glycine amidinotransferase; minus strand). Cytogenetic location: 15q21.1.
Variant type: single nucleotide variant.
Coding change: c.269C>G on transcript NM_001482.3 (MANE Select); coding-DNA position 269, C replaced by G.
Protein change: p.Pro90Arg; replaces proline 90 with arginine.
Molecular consequence: missense variant. On other transcripts: 5 prime UTR variant (1).
Genome position (GRCh38, 1-based): chr15:45,376,620, G>C on the plus strand (C>G on the coding strand, the complement: GATM is on the minus strand). VCF-style: chr15-45376620-G-C. GRCh37 (hg19) VCF-style: chr15-45668818-G-C.
Other names: c.-119C>G (NM_001321015.2); short protein forms P90R.
Identifiers: ClinVar variation 1342727 (VCV001342727.6), dbSNP rs1261342154, ClinGen allele CA392264918.